The following is an entry in ClinVar:

NM_001112741.2(KCNC1):c.1501G>C (p.Ala501Pro)

Gene: KCNC1 (potassium voltage-gated channel subfamily C member 1; plus strand). Cytogenetic location: 11p15.1.
Variant type: single nucleotide variant.
Coding change: c.1501G>C on transcript NM_001112741.2 (MANE Select); coding-DNA position 1501, G replaced by C.
Protein change: p.Ala501Pro; replaces alanine 501 with proline.
Molecular consequence: missense variant.
Genome position (GRCh38, 1-based): chr11:17,772,595, G>C. VCF-style: chr11-17772595-G-C. GRCh37 (hg19) VCF-style: chr11-17794142-G-C.
Other names: c.1501G>C, p.Ala501Pro (NM_004976.4); short protein forms A501P.
Identifiers: ClinVar variation 2184386 (VCV002184386.4), dbSNP rs1286132223, ClinGen allele CA379810350.

ClinVar aggregate classification (germline): Uncertain significance (1 of 4 stars; one submission).

Conditions:
Progressive myoclonic epilepsy type 7. Identifiers: Orphanet 435438, MedGen C4015420, MONDO:0014521, OMIM 616187.

Allele frequency attached by ClinVar (database versions not stated): TOPMed below 0.00001; gnomAD exomes 0.00001.
gnomAD v4.1: 4 of 1,612,158 alleles (0.00025%); highest among the groups gnomAD compares: Admixed American, 0.0017%; no homozygotes.

Submission:

Labcorp Genetics (formerly Invitae), Labcorp
Classification: Uncertain significance for Progressive myoclonic epilepsy type 7. Last evaluated: 2024-10-25. Review status: criteria provided, single submitter. Criteria: Invitae Variant Classification Sherloc (09022015). Collection method: clinical testing. Allele origin: germline.
Comment: This sequence change replaces alanine, which is neutral and non-polar, with proline, which is neutral and non-polar, at codon 501 of the KCNC1 protein (p.Ala501Pro). This variant is present in population databases (no rsID available, gnomAD 0.003%). This variant has not been reported in the literature in individuals affected with KCNC1-related conditions. ClinVar contains an entry for this variant (Variation ID: 2184386). Invitae Evidence Modeling of protein sequence and biophysical properties (such as structural, functional, and spatial information, amino acid conservation, physicochemical variation, residue mobility, and thermodynamic stability) indicates that this missense variant is expected to disrupt KCNC1 protein function with a positive predictive value of 95%. In summary, the available evidence is currently insufficient to determine the role of this variant in disease. Therefore, it has been classified as a Variant of Uncertain Significance.